The following is an entry in ClinVar:

ClinVar aggregate classification (germline): Pathogenic. Review status: criteria provided, multiple submitters, no conflicts (2 of 4 stars). 3 submissions from 3 submitters: Pathogenic (2). 1 of the submissions does not count toward it. Last evaluated 2026-03-02.

Conditions:
Hereditary cancer-predisposing syndrome. Also called: Tumor predisposition; Hereditary neoplastic syndrome; Hereditary Cancer Syndrome; Neoplastic Syndromes, Hereditary. Identifiers: Orphanet 140162, MedGen C0027672, MeSH D009386, MONDO:0015356.
Breast-ovarian cancer, familial, susceptibility to, 1 (BROVCA1). Also called: BRCA1 Hereditary Breast and Ovarian Cancer; OVARIAN CANCER, SUSCEPTIBILITY TO. Identifiers: Orphanet 145, MedGen C2676676, MONDO:0011450, OMIM 604370. Disease mechanism: loss of function.

Submissions (4):

Ambry Genetics
Classification: Pathogenic for Hereditary cancer-predisposing syndrome. Last evaluated: 2026-03-02. Review status: criteria provided, single submitter. Criteria: Ambry Variant Classification Scheme 2023. Collection method: clinical testing. Allele origin: germline.
Comment: The c.80+1G>C intronic variant results from a G to C substitution one nucleotide after coding exon 1 of the BRCA1 gene. This nucleotide position is highly conserved in available vertebrate species. In silico splice site analysis predicts that this alteration will weaken the native splice donor site. Similar alterations at this splice donor site through +5 have been shown to cause skipping of coding exon 1 (also known as Exon 2) with resulting loss of the start codon (Ambry internal data; Steffensen AY et al. Eur J Hum Genet. 2014 Dec;22(12):1362-8). One study found that this nucleotide substitution is non-functional in a high throughput genome editing haploid cell survival assay (Findlay GM et al. Nature, 2018 10;562:217-222). In addition to the clinical data presented in the literature, alterations that disrupt the canonical splice site are expected to cause aberrant splicing, resulting in an abnormal protein or a transcript that is subject to nonsense-mediated mRNA decay. Based on the supporting evidence, this variant is interpreted as a disease-causing mutation.

Consortium of Investigators of Modifiers of BRCA1/2 (CIMBA), c/o University of Cambridge
Classification: Pathogenic for Breast-ovarian cancer, familial, susceptibility to, 1. Last evaluated: 2015-10-02. Review status: criteria provided, single submitter. Criteria: CIMBA Mutation Classification guidelines May 2016. Collection method: clinical testing. Allele origin: germline.

Breast Cancer Information Core (BIC) (BRCA1)
Classification: Pathogenic for Breast-ovarian cancer, familial 1. Last evaluated: 2004-11-25. Review status: no assertion criteria provided. Collection method: clinical testing. Allele origin: germline. Affected: yes. Observed: 1 variant allele. Not counted in ClinVar's aggregate classification.

Brotman Baty Institute, University of Washington
No classification provided (evidence only). Condition: Breast-ovarian cancer, familial 1. Review status: no classification provided. Collection method: in vitro. Allele origin: not applicable. Functional consequence: functionally_abnormal. Not counted in ClinVar's aggregate classification.
ClinVar note: "not provided" was previously submitted as the classification for the variant. However, the classification appeared to be based only on an observation of functional data so it was converted to no classification on 2025-07-30.

Literature cited by the submitters: PubMed 24667779 (cited by Ambry Genetics); PubMed 30209399 (cited by Ambry Genetics).

NM_007294.4(BRCA1):c.80+1G>C

Gene: BRCA1 (BRCA1 DNA repair associated; minus strand). Cytogenetic location: 17q21.31.
Variant type: single nucleotide variant.
Coding change: c.80+1G>C on transcript NM_007294.4 (MANE Select); the canonical splice donor site of the intron after coding-DNA position 80, G replaced by C.
Molecular consequence: splice donor variant. On other transcripts: intron variant (36).
Genome position (GRCh38, 1-based): chr17:43,124,016, C>G on the plus strand (G>C on the coding strand, the complement: BRCA1 is on the minus strand). VCF-style: chr17-43124016-C-G. GRCh37 (hg19) VCF-style: chr17-41276033-C-G.
Other names: IVS2+1G>C; c.80+1G>C (NM_001408473.1, NM_001408399.1, NM_001407984.1 and 192 more transcripts); c.-8+1G>C (NM_001407936.1, NM_001407849.1, NM_001407845.1 and 23 more transcripts); c.-109+1G>C (NM_001407958.1, NM_001407955.1, NM_001408493.1 and 46 more transcripts); c.-340+1G>C (NM_001407965.1); c.-178+1G>C (NM_001407930.1, NM_001407843.1, NM_001408456.1 and 11 more transcripts); c.-182+1G>C (NM_001408465.1, NM_001407695.1); c.-254+1G>C (NM_001408482.1); and 24 more.
Identifiers: ClinVar variation 125516 (VCV000125516.10), dbSNP rs80358010, ClinGen allele CA003885.